The following is an entry in ClinVar:

NM_021813.4(BACH2):c.1102C>T (p.Pro368Ser)

Gene: BACH2 (BACH transcriptional regulator 2; minus strand). Cytogenetic location: 6q15.
Variant type: single nucleotide variant.
Coding change: c.1102C>T on transcript NM_021813.4 (MANE Select); coding-DNA position 1102, C replaced by T.
Protein change: p.Pro368Ser; replaces proline 368 with serine.
Molecular consequence: missense variant.
Genome position (GRCh38, 1-based): chr6:89,951,004, G>A on the plus strand (C>T on the coding strand, the complement: BACH2 is on the minus strand). VCF-style: chr6-89951004-G-A. GRCh37 (hg19) VCF-style: chr6-90660723-G-A.
Other names: c.1102C>T, p.Pro368Ser (NM_001170794.2); short protein forms P368S.
Identifiers: ClinVar variation 1030768 (VCV001030768.29), dbSNP rs1774062472, ClinGen allele CA365071558.
Genomic context (GRCh38, chr6:89,951,004, plus strand): 5'-AAGGGGTGTAGTCAGTTTTAAGGTCACCCTGAGTGATCCCCTTGTCAAAAGGGCAGGCTG[G>A]ACTCCTGGCAAAGTGCTGCTGAGATGTACTGGGCAGGCCAGACAGCTCCACACTTTTCGT-3'
Protein context (NP_068585.1, residues 358-378): STSQQHFARS[Pro368Ser]ACPFDKGITQ

ClinVar aggregate classification (germline): Uncertain significance. Review status: criteria provided, multiple submitters, no conflicts (2 of 4 stars). 3 submissions from 3 submitters: Uncertain significance (3). Last evaluated 2022-06-22.

Conditions:
Immunodeficiency 60. Also called: IMMUNODEFICIENCY 60 AND AUTOIMMUNITY; IMMUNODEFICIENCY AND AUTOIMMUNITY, BACH2-RELATED. Identifiers: MedGen C5193072, MONDO:0032723, OMIM 618394.

Allele frequency attached by ClinVar (database versions not stated): gnomAD exomes below 0.00001.

Submissions (3):

Labcorp Genetics (formerly Invitae), Labcorp
Classification: Uncertain significance. Last evaluated: 2022-06-22. Review status: criteria provided, single submitter. Criteria: Invitae Variant Classification Sherloc (09022015). Collection method: clinical testing. Allele origin: germline.
Comment: In summary, the available evidence is currently insufficient to determine the role of this variant in disease. Therefore, it has been classified as a Variant of Uncertain Significance. Algorithms developed to predict the effect of missense changes on protein structure and function output the following: SIFT: "Tolerated"; PolyPhen-2: "Benign"; Align-GVGD: "Class C0". The serine amino acid residue is found in multiple mammalian species, which suggests that this missense change does not adversely affect protein function. ClinVar contains an entry for this variant (Variation ID: 1030768). This variant has not been reported in the literature in individuals affected with BACH2-related conditions. This variant is not present in population databases (gnomAD no frequency). This sequence change replaces proline, which is neutral and non-polar, with serine, which is neutral and polar, at codon 368 of the BACH2 protein (p.Pro368Ser).

CeGaT Center for Human Genetics Tuebingen
Classification: Uncertain significance. Last evaluated: 2022-03-01. Review status: criteria provided, single submitter. Criteria: CeGaT Center For Human Genetics Tuebingen Variant Classification Criteria Version 2. Collection method: clinical testing. Allele origin: germline. Affected: yes. Observed: 1 variant allele.
Comment: BACH2: PM2, BP4

Baylor Genetics
Classification: Uncertain significance for Immunodeficiency 60. Last evaluated: 2019-07-23. Review status: criteria provided, single submitter. Criteria: ACMG Guidelines, 2015. Collection method: clinical testing. Allele origin: unknown. Affected: yes.
Comment: This variant was determined to be of uncertain significance according to ACMG Guidelines, 2015 [PMID:25741868].